The following is an entry in ClinVar:

NM_000057.4(BLM):c.989G>C (p.Arg330Thr)

Gene: BLM (BLM RecQ like helicase; plus strand). Cytogenetic location: 15q26.1.
Variant type: single nucleotide variant.
Coding change: c.989G>C on transcript NM_000057.4 (MANE Select); coding-DNA position 989, G replaced by C.
Protein change: p.Arg330Thr; replaces arginine 330 with threonine.
Molecular consequence: missense variant. On other transcripts: 5 prime UTR variant (1).
Genome position (GRCh38, 1-based): chr15:90,754,840, G>C. VCF-style: chr15-90754840-G-C. GRCh37 (hg19) VCF-style: chr15-91298070-G-C.
Other names: c.989G>C, p.Arg330Thr (NM_001287246.2, NM_001287247.2); c.-303G>C (NM_001287248.2); short protein forms R330T.
Identifiers: ClinVar variation 3643542 (VCV003643542.2).

ClinVar aggregate classification (germline): Uncertain significance (1 of 4 stars; one submission).

Conditions:
Bloom syndrome (BLM). Also called: Bloom-Torre-Machacek syndrome. Identifiers: Orphanet 125, MedGen C0005859, MONDO:0008876, OMIM 210900.

Submission:

Labcorp Genetics (formerly Invitae), Labcorp
Classification: Uncertain significance for Bloom syndrome. Last evaluated: 2024-02-27. Review status: criteria provided, single submitter. Criteria: Invitae Variant Classification Sherloc (09022015). Collection method: clinical testing. Allele origin: germline.
Comment: This sequence change replaces arginine, which is basic and polar, with threonine, which is neutral and polar, at codon 330 of the BLM protein (p.Arg330Thr). This variant is not present in population databases (gnomAD no frequency). This variant has not been reported in the literature in individuals affected with BLM-related conditions. Algorithms developed to predict the effect of missense changes on protein structure and function output the following: SIFT: "Not Available"; PolyPhen-2: "Benign"; Align-GVGD: "Not Available". The threonine amino acid residue is found in multiple mammalian species, which suggests that this missense change does not adversely affect protein function. In summary, the available evidence is currently insufficient to determine the role of this variant in disease. Therefore, it has been classified as a Variant of Uncertain Significance.